The following is an entry in ClinVar:

NM_013382.7(POMT2):c.20G>A (p.Gly7Glu)

Genes: POMT2 (protein O-mannosyltransferase 2; minus strand), LOC130056177 (ATAC-STARR-seq lymphoblastoid silent region 5970; plus strand). Cytogenetic location: 14q24.3.
Variant type: single nucleotide variant.
Coding change: c.20G>A on transcript NM_013382.7 (MANE Select); coding-DNA position 20, G replaced by A.
Protein change: p.Gly7Glu; replaces glycine 7 with glutamic acid.
Molecular consequence: missense variant.
Genome position (GRCh38, 1-based): chr14:77,320,662, C>T on the plus strand (G>A on the coding strand, the complement: POMT2 is on the minus strand). VCF-style: chr14-77320662-C-T. GRCh37 (hg19) VCF-style: chr14-77787005-C-T.
Other names: short protein forms G7E.
Identifiers: ClinVar variation 955735 (VCV000955735.6), dbSNP rs763325075, ClinGen allele CA7286304.

ClinVar aggregate classification (germline): Uncertain significance. Review status: criteria provided, multiple submitters, no conflicts (2 of 4 stars). 2 submissions from 2 submitters: Uncertain significance (2). Last evaluated 2021-09-08.

Conditions:
Muscular dystrophy-dystroglycanopathy (congenital with brain and eye anomalies), type A2. Also called: MUSCULAR DYSTROPHY-DYSTROGLYCANOPATHY (CONGENITAL WITH BRAIN AND EYE ANOMALIES), TYPE A, 2; WALKER-WARBURG SYNDROME OR MUSCLE-EYE-BRAIN DISEASE, POMT2-RELATED. Identifiers: Orphanet 588, Orphanet 899, MedGen C3150411, MONDO:0013154, OMIM 613150.
Muscular dystrophy-dystroglycanopathy (congenital with impaired intellectual development), type B, 2. Also called: Muscular dystrophy-dystroglycanopathy (congenital with intellectual disability), type B2; MUSCULAR DYSTROPHY, CONGENITAL, POMT2-RELATED. Identifiers: MedGen C3150416, MONDO:0013160, OMIM 613156.
Autosomal recessive limb-girdle muscular dystrophy type 2N. Also called: Muscular dystrophy-dystroglycanopathy (limb-girdle), type C, 2; MUSCULAR DYSTROPHY-DYSTROGLYCANOPATHY, LIMB-GIRDLE, POMT2-RELATED. Identifiers: Orphanet 206559, MedGen C3150418, MONDO:0013162, OMIM 613158.

Allele frequency attached by ClinVar (database versions not stated): gnomAD exomes below 0.00001 and 0.00003; gnomAD 0.00001; ExAC 0.00002.
gnomAD v4.1: 9 of 1,593,428 alleles (0.00056%); highest among the groups gnomAD compares: East Asian, 0.018%; no homozygotes.

Submissions (2):

Labcorp Genetics (formerly Invitae), Labcorp
Classification: Uncertain significance for Muscular dystrophy-dystroglycanopathy (congenital with impaired intellectual development), type B, 2; Muscular dystrophy-dystroglycanopathy (congenital with brain and eye anomalies), type A2; Autosomal recessive limb-girdle muscular dystrophy type 2N. Last evaluated: 2021-09-08. Review status: criteria provided, single submitter. Criteria: Invitae Variant Classification Sherloc (09022015). Collection method: clinical testing. Allele origin: germline.
Comment: This sequence change replaces glycine with glutamic acid at codon 7 of the POMT2 protein (p.Gly7Glu). The glycine residue is moderately conserved and there is a moderate physicochemical difference between glycine and glutamic acid. This variant is present in population databases (rs763325075, ExAC 0.03%). This variant has not been reported in the literature in individuals affected with POMT2-related conditions. Algorithms developed to predict the effect of missense changes on protein structure and function (SIFT, PolyPhen-2, Align-GVGD) all suggest that this variant is likely to be tolerated. In summary, the available evidence is currently insufficient to determine the role of this variant in disease. Therefore, it has been classified as a Variant of Uncertain Significance.

Revvity Omics, Revvity
Classification: Uncertain significance. Last evaluated: 2020-01-30. Review status: criteria provided, single submitter. Criteria: ACMG Guidelines, 2015. Collection method: clinical testing. Allele origin: germline.